The following is an entry in ClinVar:

NM_018474.6(KIZ):c.1326A>G (p.Glu442=)

Gene: KIZ (kizuna centrosomal protein; plus strand). Cytogenetic location: 20p11.23.
Variant type: single nucleotide variant.
Coding change: c.1326A>G on transcript NM_018474.6 (MANE Select); coding-DNA position 1326, A replaced by G.
Protein change: p.Glu442=; no amino-acid change (glutamic acid 442 retained).
Molecular consequence: synonymous variant.
Genome position (GRCh38, 1-based): chr20:21,163,133, A>G. VCF-style: chr20-21163133-A-G. GRCh37 (hg19) VCF-style: chr20-21143774-A-G.
Other names: c.1017A>G, p.Glu339= (NM_001163022.3, NM_001352435.2); c.927A>G, p.Glu309= (NM_001163023.3); c.1179A>G, p.Glu393= (NM_001276389.2); c.1326A>G, p.Glu442= (NM_001352434.2); c.984A>G, p.Glu328= (NM_001352436.2); c.1326A>G (NM_018474.5).
Identifiers: ClinVar variation 3028549 (VCV003028549.3), dbSNP rs772816948, ClinGen allele CA9784813.

ClinVar aggregate classification (germline): Uncertain significance. Review status: criteria provided, single submitter (1 of 4 stars). 2 submissions from 2 submitters: Uncertain significance (1). 1 of the submissions does not count toward it. Last evaluated 2023-10-01.

Conditions:
KIZ-related disorder. Also called: KIZ-related condition.
Retinal dystrophy. Also called: Inherited retinal dystrophy. Identifiers: Orphanet 71862, MedGen C0854723, MeSH D058499, MONDO:0019118, HP:0000556.

Allele frequency attached by ClinVar (database versions not stated): ExAC 0.00001; TOPMed 0.00001; gnomAD exomes 0.00002.
gnomAD v4.1: 29 of 1,612,392 alleles (0.0018%); highest among the groups gnomAD compares: East Asian, 0.062%; no homozygotes.

Submissions (2):

Dept Of Ophthalmology, Nagoya University
Classification: Uncertain significance for Retinal dystrophy. Last evaluated: 2023-10-01. Review status: criteria provided, single submitter. Criteria: Submitter's publication. Collection method: research. Allele origin: germline. Affected: yes.

PreventionGenetics, part of Exact Sciences
Classification: Likely benign for KIZ-related condition. Last evaluated: 2020-07-29. Review status: no assertion criteria provided. Collection method: clinical testing. Allele origin: germline. Not counted in ClinVar's aggregate classification.
Comment: This variant is classified as likely benign based on ACMG/AMP sequence variant interpretation guidelines (Richards et al. 2015 PMID: 25741868, with internal and published modifications).